The following is an entry in ClinVar:

ClinVar aggregate classification (germline): Uncertain significance. Review status: criteria provided, multiple submitters, no conflicts (2 of 4 stars). 3 submissions from 3 submitters: Uncertain significance (3). Last evaluated 2023-07-07.

Conditions:
Short QT syndrome type 3. Identifiers: Orphanet 51083, MedGen C1865018, MONDO:0012314, OMIM 609622.
Andersen Tawil syndrome (LQT7). Also called: Andersen Syndrome; LONG QT SYNDROME 7; ANDERSEN CARDIODYSRHYTHMIC PERIODIC PARALYSIS; Potassium-sensitive periodic paralysis, ventricular ectopy, and dysmorphic features; PERIODIC PARALYSIS, POTASSIUM-SENSITIVE CARDIODYSRHYTHMIC TYPE. Identifiers: Orphanet 37553, MedGen C1563715, MONDO:0008222, OMIM 170390.
Cardiovascular phenotype. Identifiers: MedGen CN230736.
Atrial fibrillation, familial, 9 (ATFB9). Identifiers: MedGen C3151431, MONDO:0013513, OMIM 613980.

Allele frequency attached by ClinVar (database versions not stated): gnomAD 0.00001; gnomAD exomes 0.00001 and 0.00002; ExAC 0.00004.

Submissions (3):

Labcorp Genetics (formerly Invitae), Labcorp
Classification: Uncertain significance for Short QT syndrome type 3; Andersen Tawil syndrome. Last evaluated: 2023-07-07. Review status: criteria provided, single submitter. Criteria: Invitae Variant Classification Sherloc (09022015). Collection method: clinical testing. Allele origin: germline.
Comment: In summary, the available evidence is currently insufficient to determine the role of this variant in disease. Therefore, it has been classified as a Variant of Uncertain Significance. Advanced modeling of protein sequence and biophysical properties (such as structural, functional, and spatial information, amino acid conservation, physicochemical variation, residue mobility, and thermodynamic stability) performed at Invitae indicates that this missense variant is not expected to disrupt KCNJ2 protein function. ClinVar contains an entry for this variant (Variation ID: 1425317). This variant has not been reported in the literature in individuals affected with KCNJ2-related conditions. This variant is present in population databases (rs779856198, gnomAD 0.02%). This sequence change replaces leucine, which is neutral and non-polar, with phenylalanine, which is neutral and non-polar, at codon 232 of the KCNJ2 protein (p.Leu232Phe).

Fulgent Genetics
Classification: Uncertain significance for Andersen Tawil syndrome; Short QT syndrome type 3; Atrial fibrillation, familial, 9. Last evaluated: 2021-08-13. Review status: criteria provided, single submitter. Criteria: ACMG Guidelines, 2015. Collection method: clinical testing. Allele origin: unknown.

Ambry Genetics
Classification: Uncertain significance for Cardiovascular phenotype. Last evaluated: 2019-11-14. Review status: criteria provided, single submitter. Criteria: Ambry Variant Classification Scheme 2023. Collection method: clinical testing. Allele origin: germline.
Comment: The p.L232F variant (also known as c.694C>T), located in coding exon 1 of the KCNJ2 gene, results from a C to T substitution at nucleotide position 694. The leucine at codon 232 is replaced by phenylalanine, an amino acid with highly similar properties. This amino acid position is highly conserved in available vertebrate species. In addition, this alteration is predicted to be deleterious by in silico analysis. Since supporting evidence is limited at this time, the clinical significance of this alteration remains unclear.

NM_000891.3(KCNJ2):c.694C>T (p.Leu232Phe)

Gene: KCNJ2 (potassium inwardly rectifying channel subfamily J member 2; plus strand). Cytogenetic location: 17q24.3.
Variant type: single nucleotide variant.
Coding change: c.694C>T on transcript NM_000891.3 (MANE Select); coding-DNA position 694, C replaced by T.
Protein change: p.Leu232Phe; replaces leucine 232 with phenylalanine.
Molecular consequence: missense variant.
Genome position (GRCh38, 1-based): chr17:70,175,733, C>T. VCF-style: chr17-70175733-C-T. GRCh37 (hg19) VCF-style: chr17-68171874-C-T.
Other names: short protein forms L232F.
Identifiers: ClinVar variation 1425317 (VCV001425317.8), dbSNP rs779856198, ClinGen allele CA8738758.